The following is an entry in ClinVar:

ClinVar aggregate classification (germline): Uncertain significance (1 of 4 stars; one submission).

Conditions:
Restrictive cardiomyopathy. Identifiers: Orphanet 217632, MedGen C0007196, MeSH D002313, MONDO:0005201, HP:0001723.

Allele frequency attached by ClinVar (database versions not stated): gnomAD 0.00001; TOPMed below 0.00001; gnomAD exomes 0.00001.
gnomAD v4.1: 5 of 1,614,046 alleles (0.00031%); highest among the groups gnomAD compares: Non-Finnish European, 0.00034%; no homozygotes.

Submission:

Institute Of Molecular Biology And Genetics, Federal Almazov National Medical Research Centre
Classification: Uncertain significance for Restrictive cardiomyopathy. Review status: criteria provided, single submitter. Criteria: ACMG Guidelines, 2015. Collection method: research. Allele origin: germline. Inheritance: Autosomal dominant inheritance. Affected: yes.

NM_002471.4(MYH6):c.3934C>G (p.Gln1312Glu)

Gene: MYH6 (myosin heavy chain 6; minus strand). Cytogenetic location: 14q11.2.
Variant type: single nucleotide variant.
Coding change: c.3934C>G on transcript NM_002471.4 (MANE Select); coding-DNA position 3934, C replaced by G.
Protein change: p.Gln1312Glu; replaces glutamine 1312 with glutamic acid.
Molecular consequence: missense variant.
Genome position (GRCh38, 1-based): chr14:23,389,437, G>C on the plus strand (C>G on the coding strand, the complement: MYH6 is on the minus strand). VCF-style: chr14-23389437-G-C. GRCh37 (hg19) VCF-style: chr14-23858646-G-C.
Other names: short protein forms Q1312E.
Identifiers: ClinVar variation 617632 (VCV000617632.2), dbSNP rs1322506642, ClinGen allele CA389002696.